The following is an entry in ClinVar:

NM_001276270.2(MBD4):c.428T>C (p.Phe143Ser)

Gene: MBD4 (methyl-CpG binding domain 4, DNA glycosylase; minus strand). Cytogenetic location: 3q21.3.
Variant type: single nucleotide variant.
Coding change: c.428T>C on transcript NM_001276270.2 (MANE Select); coding-DNA position 428, T replaced by C.
Protein change: p.Phe143Ser; replaces phenylalanine 143 with serine.
Molecular consequence: missense variant. On other transcripts: intron variant (1).
Genome position (GRCh38, 1-based): chr3:129,437,216, A>G on the plus strand (T>C on the coding strand, the complement: MBD4 is on the minus strand). VCF-style: chr3-129437216-A-G. GRCh37 (hg19) VCF-style: chr3-129156059-A-G.
Other names: c.428T>C, p.Phe143Ser (NM_001276271.2, NM_001276272.2, NM_003925.3); c.247+592T>C (NM_001276273.2); short protein forms F143S.
Identifiers: ClinVar variation 4052239 (VCV004052239.1).

ClinVar aggregate classification (germline): Uncertain significance (1 of 4 stars; one submission).

Conditions:
Inborn genetic diseases. Identifiers: MedGen C0950123, MeSH D030342.

Submission:

Ambry Genetics
Classification: Uncertain significance for Inborn genetic diseases. Last evaluated: 2025-05-25. Review status: criteria provided, single submitter. Criteria: Ambry Variant Classification Scheme 2023. Collection method: clinical testing. Allele origin: germline.
Comment: The p.F143S variant (also known as c.428T>C), located in coding exon 3 of the MBD4 gene, results from a T to C substitution at nucleotide position 428. The phenylalanine at codon 143 is replaced by serine, an amino acid with highly dissimilar properties. This amino acid position is conserved. In addition, this alteration is predicted to be deleterious by in silico analysis. Based on the available evidence, the clinical significance of this variant remains unclear.